The following is an entry in ClinVar:

ClinVar aggregate classification (germline): Likely pathogenic (1 of 4 stars; one submission).

Conditions:
Autosomal recessive Alport syndrome (ATS2). Also called: COL4A4 Alport Syndrome and Thin Basement Membrane Nephropathy; ALPORT SYNDROME 2, AUTOSOMAL RECESSIVE; COL4A3-Related Nephropathy; Alport syndrome type 2. Identifiers: Orphanet 63, Orphanet 88919, MedGen C4746745, MONDO:0008762, OMIM 203780.

Submission:

First Genomix Gene Laboratory, Genetic Diagnostics Department
Classification: Likely pathogenic for Autosomal recessive Alport syndrome. Last evaluated: 2025-04-30. Review status: criteria provided, single submitter. Criteria: ACMG Guidelines, 2015. Collection method: clinical testing. Allele origin: germline. Inheritance: Autosomal recessive inheritance. Affected: no. Observed: 1 variant allele.

NM_000092.5(COL4A4):c.1723G>T (p.Gly575Trp)

Gene: COL4A4 (collagen type IV alpha 4 chain; minus strand). Cytogenetic location: 2q36.3.
Variant type: single nucleotide variant.
Coding change: c.1723G>T on transcript NM_000092.5 (MANE Select); coding-DNA position 1723, G replaced by T.
Protein change: p.Gly575Trp; replaces glycine 575 with tryptophan.
Molecular consequence: missense variant.
Genome position (GRCh38, 1-based): chr2:227,080,523, C>A on the plus strand (G>T on the coding strand, the complement: COL4A4 is on the minus strand). VCF-style: chr2-227080523-C-A. GRCh37 (hg19) VCF-style: chr2-227945239-C-A.
Other names: short protein forms G575W.
Identifiers: ClinVar variation 4845930 (VCV004845930.1).